The following is an entry in ClinVar:

NM_000070.3(CAPN3):c.526G>T (p.Val176Leu)

Gene: CAPN3 (calpain 3; plus strand). Cytogenetic location: 15q15.1.
Variant type: single nucleotide variant.
Coding change: c.526G>T on transcript NM_000070.3 (MANE Select); coding-DNA position 526, G replaced by T.
Protein change: p.Val176Leu; replaces valine 176 with leucine.
Molecular consequence: missense variant.
Genome position (GRCh38, 1-based): chr15:42,387,780, G>T. VCF-style: chr15-42387780-G-T. GRCh37 (hg19) VCF-style: chr15-42679978-G-T.
Other names: c.526G>T, p.Val176Leu (NM_024344.2, NM_173087.2); short protein forms V176L.
Identifiers: ClinVar variation 286211 (VCV000286211.8), dbSNP rs774114705, ClinGen allele CA7511051.

ClinVar aggregate classification (germline): Conflicting classifications of pathogenicity. Review status: criteria provided, conflicting classifications (1 of 4 stars). 2 submissions from 2 submitters: Pathogenic (1); Uncertain significance (1). Last evaluated 2025-08-13.

Conditions:
Autosomal recessive limb-girdle muscular dystrophy type 2A (LGMDR1). Also called: Calpainopathy; MUSCULAR DYSTROPHY, PELVOFEMORAL; Limb-girdle muscular dystrophy, type 2A; Muscular dystrophy, limb-girdle, type 2A, Amish; LEYDEN-MOEBIUS MUSCULAR DYSTROPHY. Identifiers: Orphanet 267, MedGen C1869123, MONDO:0009675, OMIM 253600. Disease mechanism: loss of function.

gnomAD v4.1: 3 of 1,614,100 alleles (0.00019%); highest among the groups gnomAD compares: African/African-American, 0.0027%; no homozygotes.

Submissions (2):

Labcorp Genetics (formerly Invitae), Labcorp
Classification: Pathogenic for Autosomal recessive limb-girdle muscular dystrophy type 2A. Last evaluated: 2025-08-13. Review status: criteria provided, single submitter. Criteria: Invitae Variant Classification Sherloc (09022015). Collection method: clinical testing. Allele origin: germline.
Comment: This sequence change replaces valine, which is neutral and non-polar, with leucine, which is neutral and non-polar, at codon 176 of the CAPN3 protein (p.Val176Leu). This variant is present in population databases (rs774114705, gnomAD 0.007%). This missense change has been observed in individual(s) with autosomal recessive limb-girdle muscular dystrophy (internal data). In at least one individual the data is consistent with being in trans (on the opposite chromosome) from a pathogenic variant. ClinVar contains an entry for this variant (Variation ID: 286211). Invitae Evidence Modeling of protein sequence and biophysical properties (such as structural, functional, and spatial information, amino acid conservation, physicochemical variation, residue mobility, and thermodynamic stability) indicates that this missense variant is expected to disrupt CAPN3 protein function with a positive predictive value of 80%. This variant disrupts the p.Val176 amino acid residue in CAPN3. Other variant(s) that disrupt this residue have been determined to be pathogenic (PMID: 25079074). This suggests that this residue is clinically significant, and that variants that disrupt this residue are likely to be disease-causing. For these reasons, this variant has been classified as Pathogenic.

Eurofins Ntd Llc (ga)
Classification: Uncertain significance. Last evaluated: 2017-02-08. Review status: criteria provided, single submitter. Criteria: EGL Classification Definitions 2015. Collection method: clinical testing. Allele origin: germline. Observed: 2 variant alleles, 2 heterozygotes.

Literature cited by the submitters: PubMed 25079074 (cited by Labcorp Genetics (formerly Invitae), Labcorp).